The following is an entry in ClinVar:

ClinVar aggregate classification (germline): Conflicting classifications of pathogenicity. Review status: criteria provided, conflicting classifications (1 of 4 stars). 2 submissions from 2 submitters: Uncertain significance (1); Likely benign (1). Last evaluated 2024-10-11.

Conditions:
Inborn genetic diseases. Identifiers: MedGen C0950123, MeSH D030342.

Allele frequency attached by ClinVar (database versions not stated): TOPMed 0.00008; gnomAD 0.00009.

Submissions (2):

GeneDx
Classification: Uncertain significance. Last evaluated: 2024-10-11. Review status: criteria provided, single submitter. Criteria: GeneDx Variant Classification Process June 2021. Collection method: clinical testing. Allele origin: germline. Affected: yes.
Comment: In silico analysis indicates that this missense variant does not alter protein structure/function; Has not been previously published as pathogenic or benign to our knowledge

Ambry Genetics
Classification: Likely benign for Inborn genetic diseases. Last evaluated: 2021-10-26. Review status: criteria provided, single submitter. Criteria: Ambry Variant Classification Scheme 2023. Collection method: clinical testing. Allele origin: germline.

NM_001128228.3(TPRN):c.1112C>T (p.Pro371Leu)

Gene: TPRN (taperin; minus strand). Cytogenetic location: 9q34.3.
Variant type: single nucleotide variant.
Coding change: c.1112C>T on transcript NM_001128228.3 (MANE Select); coding-DNA position 1112, C replaced by T.
Protein change: p.Pro371Leu; replaces proline 371 with leucine.
Molecular consequence: missense variant.
Genome position (GRCh38, 1-based): chr9:137,199,600, G>A on the plus strand (C>T on the coding strand, the complement: TPRN is on the minus strand). VCF-style: chr9-137199600-G-A. GRCh37 (hg19) VCF-style: chr9-140094052-G-A.
Other names: short protein forms P371L.
Identifiers: ClinVar variation 2257350 (VCV002257350.3), dbSNP rs777517753, ClinGen allele CA5362816.
Genomic context (GRCh38, chr9:137,199,600, plus strand): 5'-TGTGCCTCGACCTCCAGGGGGCTCTTCCCGAGGGCAGGCGCACCATCCCCTCCAGGCACC[G>A]GCTGGGATCCGAGCTCCTGGCTCGGGGAGGCCGGGCCCAGGTCTCCCTTTGGCAGCTCCA-3'
Protein context (NP_001121700.2, residues 361-381): ASPSQELGSQ[Pro371Leu]VPGGDGAPAL